The following is an entry in ClinVar:

NM_000834.5(GRIN2B):c.96C>A (p.Pro32=)

Gene: GRIN2B (glutamate ionotropic receptor NMDA type subunit 2B; minus strand). Cytogenetic location: 12p13.1.
Variant type: single nucleotide variant.
Coding change: c.96C>A on transcript NM_000834.5 (MANE Select); coding-DNA position 96, C replaced by A.
Protein change: p.Pro32=; no amino-acid change (proline 32 retained).
Molecular consequence: synonymous variant.
Genome position (GRCh38, 1-based): chr12:13,866,113, G>T on the plus strand (C>A on the coding strand, the complement: GRIN2B is on the minus strand). VCF-style: chr12-13866113-G-T. GRCh37 (hg19) VCF-style: chr12-14019047-G-T.
Identifiers: ClinVar variation 385845 (VCV000385845.12), dbSNP rs374173060, ClinGen allele CA6461461.
Genomic context (GRCh38, chr12:13,866,113, plus strand): 5'-ATCCTTGATGGCCACCTCGTCGGAAGTGCCCACGAGGATGACAGCAATGCCAATGCTGGG[G>T]GGGCTCTTCTGAGAACGAGCTCTGCTGCCTGACACGGCCAGGACGGCCAACACCAACCAG-3'
Protein context (NP_000825.2, residues 22-42): SGSRARSQKS[Pro32=]PSIGIAVILV

ClinVar aggregate classification (germline): Likely benign. Review status: criteria provided, multiple submitters, no conflicts (2 of 4 stars). 3 submissions from 3 submitters: Likely benign (3). Last evaluated 2025-07-30.

Conditions:
Inborn genetic diseases. Identifiers: MedGen C0950123, MeSH D030342.
Intellectual developmental disorder, autosomal dominant 6, with or without seizures. Also called: GRIN2B-related developmental delay, intellectual disability and autism spectrum disorder; Intellectual disability, autosomal dominant 6. Identifiers: Orphanet 589547, MedGen C3151411, MONDO:0013509, OMIM 613970.
Developmental and epileptic encephalopathy, 27 (DEE27). Also called: Epileptic encephalopathy, early infantile, 27; GRIN2B-Related Neurodevelopmental Disorder. Identifiers: Orphanet 3451, MedGen C4015316, MONDO:0014505, OMIM 616139.

Allele frequency attached by ClinVar (database versions not stated): TOPMed 0.00001; gnomAD 0.00003; ESP Exome Variant Server 0.00008; gnomAD exomes below 0.00001; ExAC 0.00001.
gnomAD v4.1: 6 of 1,613,716 alleles (0.00037%); highest among the groups gnomAD compares: African/African-American, 0.008%; no homozygotes.

Submissions (3):

Labcorp Genetics (formerly Invitae), Labcorp
Classification: Likely benign for Developmental and epileptic encephalopathy, 27; Intellectual developmental disorder, autosomal dominant 6, with or without seizures. Last evaluated: 2025-07-30. Review status: criteria provided, single submitter. Criteria: Invitae Variant Classification Sherloc (09022015). Collection method: clinical testing. Allele origin: germline.

Ambry Genetics
Classification: Likely benign for Inborn genetic diseases. Last evaluated: 2018-07-19. Review status: criteria provided, single submitter. Criteria: Ambry Variant Classification Scheme 2023. Collection method: clinical testing. Allele origin: germline.

GeneDx
Classification: Likely benign. Last evaluated: 2016-05-05. Review status: criteria provided, single submitter. Criteria: GeneDx Variant Classification (06012015). Collection method: clinical testing. Allele origin: germline. Affected: yes.
Comment: This variant is considered likely benign or benign based on one or more of the following criteria: it is a conservative change, it occurs at a poorly conserved position in the protein, it is predicted to be benign by multiple in silico algorithms, and/or has population frequency not consistent with disease.